The following is an entry in ClinVar:

ClinVar aggregate classification (germline): Pathogenic (1 of 4 stars; one submission).

Conditions:
KBG syndrome (KBGS). Also called: ANKRD11-Related KBG Syndrome. Identifiers: Orphanet 2332, MedGen C0220687, MONDO:0007846, OMIM 148050.

Submission:

Labcorp Genetics (formerly Invitae), Labcorp
Classification: Pathogenic for KBG syndrome. Last evaluated: 2021-11-17. Review status: criteria provided, single submitter. Criteria: Invitae Variant Classification Sherloc (09022015). Collection method: clinical testing. Allele origin: germline.
Comment: For these reasons, this variant has been classified as Pathogenic. This variant has not been reported in the literature in individuals affected with ANKRD11-related conditions. This variant is not present in population databases (gnomAD no frequency). This sequence change creates a premature translational stop signal (p.Cys2539*) in the ANKRD11 gene. It is expected to result in an absent or disrupted protein product. Loss-of-function variants in ANKRD11 are known to be pathogenic (PMID: 21782149, 25125236, 25413698, 25652421).

Literature cited by the submitters: PubMed 21782149; PubMed 25125236; PubMed 25413698; PubMed 25652421.

NM_013275.6(ANKRD11):c.7617_7629del (p.His2538_Cys2539insTer)

Gene: ANKRD11 (ankyrin repeat domain 11; minus strand). Cytogenetic location: 16q24.3.
Variant type: Deletion.
Coding change: c.7617_7629del on transcript NM_013275.6 (MANE Select); coding-DNA positions 7617 to 7629, 13 bases deleted (CCGGGCGGCCAGG).
Protein change: p.His2538_Cys2539insTer.
Molecular consequence: nonsense.
Genome position (GRCh38, 1-based): chr16:89,274,898-89,274,910, CCTGGCCGCCCGG deleted on the plus strand (CCGGGCGGCCAGG on the coding strand, the reverse complement: ANKRD11 is on the minus strand); deleting any 13 consecutive bases within chr16:89,274,898-89,274,911 gives the same sequence; the c. name uses the placement nearest the transcript's 3' end. VCF-style (leftmost placement, unchanged base first): chr16-89274897-TCCTGGCCGCCCGG-T. GRCh37 (hg19) VCF-style: chr16-89341305-TCCTGGCCGCCCGG-T.
Other names: c.7617_7629del, p.His2538_Cys2539insTer (NM_001256182.2, NM_001256183.2).
Identifiers: ClinVar variation 1451455 (VCV001451455.6), dbSNP rs2151701755, ClinGen allele CA2573152857.